The following is an entry in ClinVar:

ClinVar aggregate classification (germline): Uncertain significance (1 of 4 stars; one submission).

Submission:

Labcorp Genetics (formerly Invitae), Labcorp
Classification: Uncertain significance. Last evaluated: 2021-02-02. Review status: criteria provided, single submitter. Criteria: Invitae Variant Classification Sherloc (09022015). Collection method: clinical testing. Allele origin: germline.
Comment: In summary, the available evidence is currently insufficient to determine the role of this variant in disease. Therefore, it has been classified as a Variant of Uncertain Significance. Experimental studies and prediction algorithms are not available or were not evaluated, and the functional significance of this variant is currently unknown. This variant has not been reported in the literature in individuals with CSF2RB-related conditions. This variant results in a copy number gain of the genomic region encompassing exon(s) 7-10 of the CSF2RB gene. While the exact position of this variant cannot be determined from the data, sub-genic copy number gains are generally in tandem (PMID: 25640679). This variant is predicted to be in-frame, and likely preserves the integrity of the reading frame.

Literature cited by the submitters: PubMed 25640679.

NC_000022.10:g.(?_37326397)_(37330056_?)dup

Gene: CSF2RB (colony stimulating factor 2 receptor subunit beta; plus strand). Cytogenetic location: 22q12.3.
Variant type: Duplication.
Identifiers: ClinVar variation 1479263 (VCV001479263.4).